The following is an entry in ClinVar:

ClinVar aggregate classification (germline): Uncertain significance. Review status: criteria provided, multiple submitters, no conflicts (2 of 4 stars). 2 submissions from 2 submitters: Uncertain significance (2). Last evaluated 2021-09-24.

Conditions:
Fanconi anemia complementation group F. Also called: FANCF-Related Fanconi Anemia. Identifiers: Orphanet 84, MedGen C3469526, MONDO:0011325, OMIM 603467.
Fanconi anemia (FA). Also called: Fanconi's anemia. Identifiers: Orphanet 84, MedGen C0015625, MeSH D005199, MONDO:0019391.

Allele frequency attached by ClinVar (database versions not stated): gnomAD exomes below 0.00001.

Submissions (2):

Labcorp Genetics (formerly Invitae), Labcorp
Classification: Uncertain significance for Fanconi anemia. Last evaluated: 2021-09-24. Review status: criteria provided, single submitter. Criteria: Invitae Variant Classification Sherloc (09022015). Collection method: clinical testing. Allele origin: germline.
Comment: This sequence change replaces tyrosine with cysteine at codon 40 of the FANCF protein (p.Tyr40Cys). The tyrosine residue is highly conserved and there is a large physicochemical difference between tyrosine and cysteine. This variant is not present in population databases (ExAC no frequency). This variant has not been reported in the literature in individuals with FANCF-related conditions. Algorithms developed to predict the effect of missense changes on protein structure and function (SIFT, PolyPhen-2, Align-GVGD) all suggest that this variant is likely to be disruptive, but these predictions have not been confirmed by published functional studies and their clinical significance is uncertain. In summary, the available evidence is currently insufficient to determine the role of this variant in disease. Therefore, it has been classified as a Variant of Uncertain Significance.

Fulgent Genetics
Classification: Uncertain significance for Fanconi anemia complementation group F. Last evaluated: 2021-07-28. Review status: criteria provided, single submitter. Criteria: ACMG Guidelines, 2015. Collection method: clinical testing. Allele origin: unknown.

NM_022725.4(FANCF):c.119A>G (p.Tyr40Cys)

Gene: FANCF (FA complementation group F; minus strand). Cytogenetic location: 11p14.3.
Variant type: single nucleotide variant.
Coding change: c.119A>G on transcript NM_022725.4 (MANE Select); coding-DNA position 119, A replaced by G.
Protein change: p.Tyr40Cys; replaces tyrosine 40 with cysteine.
Molecular consequence: missense variant.
Genome position (GRCh38, 1-based): chr11:22,625,692, T>C on the plus strand (A>G on the coding strand, the complement: FANCF is on the minus strand). VCF-style: chr11-22625692-T-C. GRCh37 (hg19) VCF-style: chr11-22647238-T-C.
Other names: short protein forms Y40C.
Identifiers: ClinVar variation 1507328 (VCV001507328.6), dbSNP rs1359473267, ClinGen allele CA380059666.